The following is an entry in ClinVar:

ClinVar aggregate classification (germline): Conflicting classifications of pathogenicity. Review status: criteria provided, conflicting classifications (1 of 4 stars). 3 submissions from 3 submitters: Uncertain significance (2); Likely benign (1). Last evaluated 2023-03-23.

Conditions:
Breast neoplasm. Also called: Neoplasm of breast; Breast tumor; Neoplasm of the breast; Breast Neoplasms. Identifiers: MedGen C1458155, MeSH D001943, MONDO:0021100, HP:0100013. Disease mechanism: gain of function.
Hereditary breast ovarian cancer syndrome. Also called: Hereditary breast and ovarian cancer; BRCA1- and BRCA2-Associated Hereditary Breast and Ovarian Cancer; Hereditary breast and ovarian cancer syndrome; Hereditary breast and ovarian cancer syndrome (HBOC); Breast and ovarian cancer; Hereditary breast and/or ovarian cancer syndrome. Identifiers: Orphanet 145, MedGen C0677776, MeSH D061325, MONDO:0003582. Disease mechanism: loss of function.
Hereditary cancer-predisposing syndrome. Also called: Tumor predisposition; Hereditary neoplastic syndrome; Neoplastic Syndromes, Hereditary; Hereditary Cancer Syndrome. Identifiers: Orphanet 140162, MedGen C0027672, MeSH D009386, MONDO:0015356.

Allele frequency attached by ClinVar (database versions not stated): gnomAD exomes below 0.00001.
gnomAD v4.1: 1 of 1,613,872 alleles (0.000062%); highest among the groups gnomAD compares: South Asian, 0.0011%; no homozygotes.

Submissions (3):

University of Washington Department of Laboratory Medicine, University of Washington
Classification: Likely benign for Hereditary cancer-predisposing syndrome. Last evaluated: 2023-03-23. Review status: criteria provided, single submitter. Criteria: Dines et al. (Genet Med. 2020). Collection method: curation. Allele origin: germline.
Comment: Missense variant in a coldspot region where missense variants are very unlikely to be pathogenic (PMID:31911673).

BRCA2 exon 11 coldspot. Reclassification based on statistical prior probability.

Labcorp Genetics (formerly Invitae), Labcorp
Classification: Uncertain significance for Hereditary breast ovarian cancer syndrome. Last evaluated: 2022-03-08. Review status: criteria provided, single submitter. Criteria: Invitae Variant Classification Sherloc (09022015). Collection method: clinical testing. Allele origin: germline.
Comment: This sequence change replaces isoleucine, which is neutral and non-polar, with methionine, which is neutral and non-polar, at codon 1516 of the BRCA2 protein (p.Ile1516Met). This variant is not present in population databases (gnomAD no frequency). This missense change has been observed in individual(s) with hereditary breast and/or ovarian cancer (PMID: 27257965, 30702160). ClinVar contains an entry for this variant (Variation ID: 224469). Advanced modeling of protein sequence and biophysical properties (such as structural, functional, and spatial information, amino acid conservation, physicochemical variation, residue mobility, and thermodynamic stability) performed at Invitae indicates that this missense variant is not expected to disrupt BRCA2 protein function. In summary, the available evidence is currently insufficient to determine the role of this variant in disease. Therefore, it has been classified as a Variant of Uncertain Significance.

Laboratory of Molecular Diagnosis of Cancer, West China Hospital, Sichuan University
Classification: Uncertain significance for Breast neoplasm. Last evaluated: 2015-11-01. Review status: criteria provided, single submitter. Criteria: ACMG Guidelines, 2015. Collection method: research. Allele origin: germline. Affected: yes. Observed: 1 variant allele.

Literature cited by the submitters: PubMed 27257965 (cited by Labcorp Genetics (formerly Invitae), Labcorp and Laboratory of Molecular Diagnosis of Cancer, West China Hospital, Sichuan University); PubMed 30702160 (cited by Labcorp Genetics (formerly Invitae), Labcorp).

NM_000059.4(BRCA2):c.4548C>G (p.Ile1516Met)

Gene: BRCA2 (BRCA2 DNA repair associated; plus strand). Cytogenetic location: 13q13.1.
Variant type: single nucleotide variant.
Coding change: c.4548C>G on transcript NM_000059.4 (MANE Select); coding-DNA position 4548, C replaced by G.
Protein change: p.Ile1516Met; replaces isoleucine 1516 with methionine.
Molecular consequence: missense variant.
Genome position (GRCh38, 1-based): chr13:32,338,903, C>G. VCF-style: chr13-32338903-C-G. GRCh37 (hg19) VCF-style: chr13-32913040-C-G.
Other names: short protein forms I1516M.
Identifiers: ClinVar variation 224469 (VCV000224469.12), dbSNP rs886037815, ClinGen allele CA10575920.
Genomic context (GRCh38, chr13:32,338,903, plus strand): 5'-AGTTGGTACTGGAAATCAACTAGTGACCTTCCAGGGACAACCCGAACGTGATGAAAAGAT[C>G]AAAGAACCTACTCTATTGGGTTTTCATACAGCTAGCGGGAAAAAAGTTAAAATTGCAAAG-3'
Protein context (NP_000050.3, residues 1506-1526): FQGQPERDEK[Ile1516Met]KEPTLLGFHT